The following is an entry in ClinVar:

ClinVar aggregate classification (germline): Uncertain significance (1 of 4 stars; one submission).

gnomAD v4.1: 10 of 1,612,250 alleles (0.00062%); highest among the groups gnomAD compares: Non-Finnish European, 0.00076%; no homozygotes.

Submission:

Women's Health and Genetics/Laboratory Corporation of America, LabCorp
Classification: Uncertain significance. Last evaluated: 2026-04-02. Review status: criteria provided, single submitter. Criteria: LabCorp Variant Classification Summary - May 2015. Collection method: clinical testing. Allele origin: germline.
Comment: Variant summary: KIF1A c.1291G>A (p.Glu431Lys) results in a conservative amino acid change in the encoded protein sequence. Algorithms developed to predict the effect of missense changes on protein structure and function are either unavailable or do not agree on the potential impact of this missense change. The variant was absent in 248262 control chromosomes. The available data on variant occurrences in the general population are insufficient to allow any conclusion about variant significance. To our knowledge, no occurrence of c.1291G>A in individuals affected with KIF1A-related conditions and no experimental evidence demonstrating its impact on protein function have been reported. No submitters have cited clinical-significance assessments for this variant to ClinVar. Based on the evidence outlined above, the variant was classified as uncertain significance.

NM_001244008.2(KIF1A):c.1318G>A (p.Glu440Lys)

Gene: KIF1A (kinesin family member 1A; minus strand). Cytogenetic location: 2q37.3.
Variant type: single nucleotide variant.
Coding change: c.1318G>A on transcript NM_001244008.2 (MANE Select); coding-DNA position 1318, G replaced by A.
Protein change: p.Glu440Lys; replaces glutamic acid 440 with lysine.
Molecular consequence: missense variant.
Genome position (GRCh38, 1-based): chr2:240,770,994, C>T on the plus strand (G>A on the coding strand, the complement: KIF1A is on the minus strand). VCF-style: chr2-240770994-C-T. GRCh37 (hg19) VCF-style: chr2-241710411-C-T.
Other names: c.1318G>A, p.Glu440Lys (NM_001330289.2, NM_001379638.1, NM_001320705.2); c.1393G>A, p.Glu465Lys (NM_001330290.2, NM_001379631.1, NM_001379634.1 and 2 more transcripts); c.1291G>A, p.Glu431Lys (NM_001379632.1, NM_001379633.1, NM_001379636.1 and 10 more transcripts); c.1366G>A, p.Glu456Lys (NM_001379637.1, NM_001379648.1); short protein forms E431K, E440K, E456K, E465K.
Identifiers: ClinVar variation 4848938 (VCV004848938.1).